The following is an entry in ClinVar:

NM_003664.5(AP3B1):c.1436T>C (p.Ile479Thr)

Gene: AP3B1 (adaptor related protein complex 3 subunit beta 1; minus strand). Cytogenetic location: 5q14.1.
Variant type: single nucleotide variant.
Coding change: c.1436T>C on transcript NM_003664.5 (MANE Select); coding-DNA position 1436, T replaced by C.
Protein change: p.Ile479Thr; replaces isoleucine 479 with threonine.
Molecular consequence: missense variant.
Genome position (GRCh38, 1-based): chr5:78,156,295, A>G on the plus strand (T>C on the coding strand, the complement: AP3B1 is on the minus strand). VCF-style: chr5-78156295-A-G. GRCh37 (hg19) VCF-style: chr5-77452119-A-G.
Other names: c.1289T>C, p.Ile430Thr (NM_001271769.2); short protein forms I479T, I430T.
Identifiers: ClinVar variation 853551 (VCV000853551.7), dbSNP rs757746058, ClinGen allele CA3317067.

ClinVar aggregate classification (germline): Uncertain significance (1 of 4 stars; one submission).

Conditions:
Hermansky-Pudlak syndrome 2 (HPS2). Also called: Platelet defects and oculocutaneous albinism. Identifiers: Orphanet 183678, Orphanet 79430, MedGen C1842362, MONDO:0011997, OMIM 608233.

Allele frequency attached by ClinVar (database versions not stated): gnomAD exomes below 0.00001 and 0.00001; ExAC 0.00001.
gnomAD v4.1: 12 of 1,613,762 alleles (0.00074%); highest among the groups gnomAD compares: Non-Finnish European, 0.00093%; no homozygotes.

Submission:

Labcorp Genetics (formerly Invitae), Labcorp
Classification: Uncertain significance for Hermansky-Pudlak syndrome 2. Last evaluated: 2021-09-01. Review status: criteria provided, single submitter. Criteria: Invitae Variant Classification Sherloc (09022015). Collection method: clinical testing. Allele origin: germline.
Comment: This sequence change replaces isoleucine with threonine at codon 479 of the AP3B1 protein (p.Ile479Thr). The isoleucine residue is highly conserved and there is a moderate physicochemical difference between isoleucine and threonine. This variant is present in population databases (rs757746058, ExAC 0.001%). This variant has not been reported in the literature in individuals affected with AP3B1-related conditions. Algorithms developed to predict the effect of missense changes on protein structure and function are either unavailable or do not agree on the potential impact of this missense change (SIFT: "Deleterious"; PolyPhen-2: "Possibly Damaging"; Align-GVGD: "Class C0"). In summary, the available evidence is currently insufficient to determine the role of this variant in disease. Therefore, it has been classified as a Variant of Uncertain Significance.